The following is an entry in ClinVar:

ClinVar aggregate classification (germline): Uncertain significance. Review status: criteria provided, multiple submitters, no conflicts (2 of 4 stars). 2 submissions from 2 submitters: Uncertain significance (2). Last evaluated 2025-08-29.

Conditions:
Dilated cardiomyopathy 1G (CMD1G). Identifiers: Orphanet 154, MedGen C1858763, MONDO:0011400, OMIM 604145.
Autosomal recessive limb-girdle muscular dystrophy type 2J (LGMDR10). Also called: MUSCULAR DYSTROPHY, LIMB-GIRDLE, AUTOSOMAL RECESSIVE 10; Limb-girdle muscular dystrophy, type 2J. Identifiers: Orphanet 140922, MedGen C1837342, MONDO:0012127, OMIM 608807.
TTN-related disorder. Also called: TTN-related condition; TTN-related disease; TTN-related disorders.

Allele frequency attached by ClinVar (database versions not stated): gnomAD exomes below 0.00001.
gnomAD v4.1: 2 of 1,607,640 alleles (0.00012%); highest among the groups gnomAD compares: African/African-American, 0.0014%; no homozygotes.

Submissions (2):

PreventionGenetics, part of Exact Sciences
Classification: Uncertain significance for TTN-related condition. Last evaluated: 2025-08-29. Review status: criteria provided, single submitter. Criteria: ACMG Guidelines, 2015. Collection method: clinical testing. Allele origin: germline.
Comment: The TTN c.37222G>A variant is predicted to result in the amino acid substitution p.Val12408Ile. To our knowledge, this variant has not been reported in the literature or in a large population database (gnomAD), indicating this variant is rare. At this time, the clinical significance of this variant is uncertain due to the absence of conclusive functional and genetic evidence.

Labcorp Genetics (formerly Invitae), Labcorp
Classification: Uncertain significance for Dilated cardiomyopathy 1G; Autosomal recessive limb-girdle muscular dystrophy type 2J. Last evaluated: 2017-09-28. Review status: criteria provided, single submitter. Criteria: Invitae Variant Classification Sherloc (09022015). Collection method: clinical testing. Allele origin: germline.

NM_001267550.2(TTN):c.37222G>A (p.Val12408Ile)

Gene: TTN (titin; minus strand). Cytogenetic location: 2q31.2.
Variant type: single nucleotide variant.
Coding change: c.37222G>A on transcript NM_001267550.2 (MANE Select); coding-DNA position 37222, G replaced by A.
Protein change: p.Val12408Ile; replaces valine 12408 with isoleucine.
Molecular consequence: missense variant. On other transcripts: intron variant (5).
Genome position (GRCh38, 1-based): chr2:178,661,822, C>T on the plus strand (G>A on the coding strand, the complement: TTN is on the minus strand). VCF-style: chr2-178661822-C-T. GRCh37 (hg19) VCF-style: chr2-179526549-C-T.
Other names: c.13283-19505G>A (NM_003319.4); c.13859-19505G>A (NM_133437.4); c.13658-19505G>A (NM_133432.3); c.31573+1144G>A (NM_133378.4); c.34354+1144G>A (NM_001256850.1); short protein forms V12408I.
Identifiers: ClinVar variation 535532 (VCV000535532.4), dbSNP rs1553786445, ClinGen allele CA349488547.